The following is an entry in ClinVar:

ClinVar aggregate classification (germline): Pathogenic (1 of 4 stars; one submission).

Conditions:
Pontocerebellar hypoplasia type 1A (PCH1A). Also called: PONTOCEREBELLAR HYPOPLASIA WITH ANTERIOR HORN CELL DISEASE; PONTOCEREBELLAR HYPOPLASIA WITH INFANTILE SPINAL MUSCULAR ATROPHY. Identifiers: Orphanet 2254, Orphanet 88616, MedGen C1843504, MONDO:0011866, OMIM 607596.

Submission:

Labcorp Genetics (formerly Invitae), Labcorp
Classification: Pathogenic for Pontocerebellar hypoplasia type 1A. Last evaluated: 2021-10-21. Review status: criteria provided, single submitter. Criteria: Invitae Variant Classification Sherloc (09022015). Collection method: clinical testing. Allele origin: germline.
Comment: For these reasons, this variant has been classified as Pathogenic. This variant has not been reported in the literature in individuals affected with VRK1-related conditions. This variant is not present in population databases (ExAC no frequency). This sequence change creates a premature translational stop signal (p.Thr305Asnfs*9) in the VRK1 gene. It is expected to result in an absent or disrupted protein product. Loss-of-function variants in VRK1 are known to be pathogenic (PMID: 19646678, 24126608, 27281532).

Literature cited by the submitters: PubMed 19646678; PubMed 24126608; PubMed 27281532.

NM_003384.3(VRK1):c.913dup (p.Thr305fs)

Gene: VRK1 (VRK serine/threonine kinase 1; plus strand). Cytogenetic location: 14q32.2.
Variant type: Duplication.
Coding change: c.913dup on transcript NM_003384.3 (MANE Select); coding-DNA position 913, one base duplicated (A; older notation c.913dupA).
Protein change: p.Thr305fs; shifts the reading frame from threonine 305.
Molecular consequence: frameshift variant.
Genome position (GRCh38, 1-based): chr14:96,860,580, A duplicated; the last of 3 consecutive A bases (chr14:96,860,578-96,860,580); duplicating any one gives the same sequence. VCF-style (leftmost placement, unchanged base first): chr14-96860577-G-GA. GRCh37 (hg19) VCF-style: chr14-97326914-G-GA.
Other names: short protein forms T305fs.
Identifiers: ClinVar variation 1408344 (VCV001408344.7), dbSNP rs2139814734, ClinGen allele CA2573150447.